The following is an entry in ClinVar:

NM_015021.3(ZNF292):c.4519G>T (p.Glu1507Ter)

Gene: ZNF292 (zinc finger protein 292; plus strand). Cytogenetic location: 6q14.3.
Variant type: single nucleotide variant.
Coding change: c.4519G>T on transcript NM_015021.3 (MANE Select); coding-DNA position 4519, G replaced by T.
Protein change: p.Glu1507Ter; replaces glutamic acid 1507 with a stop codon.
Molecular consequence: nonsense.
Genome position (GRCh38, 1-based): chr6:87,258,148, G>T. VCF-style: chr6-87258148-G-T. GRCh37 (hg19) VCF-style: chr6-87967866-G-T.
Other names: c.4099G>T, p.Glu1367Ter (NM_001351444.2); short protein forms E1367*, E1507*.
Identifiers: ClinVar variation 4085438 (VCV004085438.8).
Genomic context (GRCh38, chr6:87,258,148, plus strand): 5'-AGTGAAATTATTAAACAGGCTTTGGAAACTGCTGGCATTCCCAGTACATTTGAGGGTGCC[G>T]AAATGCTTTCTCATGTTTCAACAGGTTGTGTCTCTGATGCATCACAAGTAAATGCAACGG-3'

ClinVar aggregate classification (germline): Likely pathogenic (1 of 4 stars; one submission).

Submission:

CeGaT Center for Human Genetics Tuebingen
Classification: Likely pathogenic. Last evaluated: 2025-07-01. Review status: criteria provided, single submitter. Criteria: CeGaT Center For Human Genetics Tuebingen Variant Classification Criteria Version 2. Collection method: clinical testing. Allele origin: germline. Affected: yes. Observed: 1 variant allele.
Comment: ZNF292: PVS1:Strong, PM2